The following is an entry in ClinVar:

ClinVar aggregate classification (germline): Uncertain significance (1 of 4 stars; one submission).

Allele frequency attached by ClinVar (database versions not stated): gnomAD exomes below 0.00001.
gnomAD v4.1: 1 of 1,613,056 alleles (0.000062%); highest among the groups gnomAD compares: Non-Finnish European, 0.000085%; no homozygotes.

Submission:

Labcorp Genetics (formerly Invitae), Labcorp
Classification: Uncertain significance. Last evaluated: 2022-03-29. Review status: criteria provided, single submitter. Criteria: Invitae Variant Classification Sherloc (09022015). Collection method: clinical testing. Allele origin: germline.
Comment: Algorithms developed to predict the effect of missense changes on protein structure and function are either unavailable or do not agree on the potential impact of this missense change (SIFT: "Tolerated"; PolyPhen-2: "Probably Damaging"; Align-GVGD: "Class C15"). In summary, the available evidence is currently insufficient to determine the role of this variant in disease. Therefore, it has been classified as a Variant of Uncertain Significance. Experimental studies have shown that this missense change affects PPARG function (PMID: 27749844). This missense change has been observed in individual(s) with clinical features of lipodystrophy syndrome (PMID: 27749844, 31194872). This variant is not present in population databases (gnomAD no frequency). This sequence change replaces proline, which is neutral and non-polar, with serine, which is neutral and polar, at codon 387 of the PPARG protein (p.Pro387Ser).

Literature cited by the submitters: PubMed 27749844; PubMed 31194872.

NM_138711.6(PPARG):c.1069C>T (p.Pro357Ser)

Gene: PPARG (peroxisome proliferator activated receptor gamma; plus strand). Cytogenetic location: 3p25.2.
Variant type: single nucleotide variant.
Coding change: c.1069C>T on transcript NM_138711.6 (MANE Select); coding-DNA position 1069, C replaced by T.
Protein change: p.Pro357Ser; replaces proline 357 with serine.
Molecular consequence: missense variant. On other transcripts: intron variant (5).
Genome position (GRCh38, 1-based): chr3:12,417,043, C>T. VCF-style: chr3-12417043-C-T. GRCh37 (hg19) VCF-style: chr3-12458542-C-T.
Other names: c.1069C>T, p.Pro357Ser (NM_005037.7, NM_138712.5, NM_001354666.3 and 3 more transcripts); c.1159C>T, p.Pro387Ser (NM_015869.5); c.729+10962C>T (NM_001374261.3, NM_001374262.3, NM_001330615.4); c.653+11044C>T (NM_001374266.1); c.819+10962C>T (NM_001374265.1); c.442C>T, p.Pro148Ser (NM_001354669.2); short protein forms P148S, P357S, P387S.
Identifiers: ClinVar variation 2203308 (VCV002203308.4), dbSNP rs2471062430, ClinGen allele CA351619859.